The following is an entry in ClinVar:

NM_004006.3(DMD):c.5582T>C (p.Leu1861Pro)

Gene: DMD (dystrophin; minus strand). Cytogenetic location: Xp21.1.
Variant type: single nucleotide variant.
Coding change: c.5582T>C on transcript NM_004006.3 (MANE Select); coding-DNA position 5582, T replaced by C.
Protein change: p.Leu1861Pro; replaces leucine 1861 with proline.
Molecular consequence: missense variant.
Genome position (GRCh38, 1-based): chrX:32,345,947, A>G on the plus strand (T>C on the coding strand, the complement: DMD is on the minus strand). VCF-style: chrX-32345947-A-G. GRCh37 (hg19) VCF-style: chrX-32364064-A-G.
Other names: c.5558T>C, p.Leu1853Pro (NM_000109.4); c.5570T>C, p.Leu1857Pro (NM_004009.3); c.5213T>C, p.Leu1738Pro (NM_004010.3); c.1559T>C, p.Leu520Pro (NM_004011.4); c.1550T>C, p.Leu517Pro (NM_004012.4); short protein forms L1738P, L1853P, L1857P, L1861P, L517P, L520P.
Identifiers: ClinVar variation 1699467 (VCV001699467.4), dbSNP rs2147030312, ClinGen allele CA412667218.

ClinVar aggregate classification (germline): Uncertain significance (1 of 4 stars; one submission).

Conditions:
Dilated cardiomyopathy 3B (CMD3B). Also called: CMD3B: DMD-Related Dilated Cardiomyopathy; CARDIOMYOPATHY, DILATED, X-LINKED; DMD-Associated Dilated Cardiomyopathy. Identifiers: Orphanet 154, MedGen C3668940, MONDO:0010542, OMIM 302045.

Allele frequency attached by ClinVar (database versions not stated): gnomAD exomes 0.00003.
gnomAD v4.1: 35 of 1,208,255 alleles (0.0029%); highest among the groups gnomAD compares: Non-Finnish European, 0.0039%; no homozygotes.

Submission:

Victorian Clinical Genetics Services, Murdoch Childrens Research Institute
Classification: Uncertain significance for Dilated cardiomyopathy 3B. Last evaluated: 2022-06-24. Review status: criteria provided, single submitter. Criteria: ACMG Guidelines, 2015. Collection method: clinical testing. Allele origin: germline. Inheritance: X-linked inheritance. Affected: yes.
Comment: Based on the classification scheme VCGS_Germline_v1.3.4, this variant is classified as VUS-3B. Following criteria are met: 0102 - Loss of function is a known mechanism of disease in this gene and is associated with Becker muscular dystrophy (MIM#300376), Duchenne muscular dystrophy (MIM#310200) and dilated cardiomyopathy 3B (MIM#302045). (I) 0109 - This gene is associated with X-linked recessive disease, relating to the muscular dystrophy phenotypes. However, it is also associated with dilated cardiomyopathy, which can affect heterozygous females (OMIM, PMID: 26066469). (I) 0200 - Variant is predicted to result in a missense amino acid change from leucine to proline. (I) 0251 - This variant is heterozygous. (I) 0301 - Variant is absent from gnomAD (both v2 and v3). (SP) 0502 - Missense variant with conflicting in silico predictions and uninformative conservation. (I) 0604 - Variant is not located in an established domain, motif, hotspot or informative constraint region. (I) 0705 - No comparable missense variants have previous evidence for pathogenicity. (I) 0807 - This variant has no previous evidence of pathogenicity. (I) 0905 - No published segregation evidence has been identified for this variant. (I) 1007 - No published functional evidence has been identified for this variant. (I) 1208 - Inheritance information for this variant is not currently available in this individual. (I) Legend: (SP) - Supporting pathogenic, (I) - Information, (SB) - Supporting benign

Literature cited by the submitters: PubMed 26066469.